The following is an entry in ClinVar:

NM_000132.4(F8):c.5585del (p.Leu1862fs)

Gene: F8 (coagulation factor VIII; minus strand). Cytogenetic location: Xq28.
Variant type: Deletion.
Coding change: c.5585del on transcript NM_000132.4 (MANE Select); coding-DNA position 5585, one base deleted (T; older notation c.5585delT).
Protein change: p.Leu1862fs; shifts the reading frame from leucine 1862.
Molecular consequence: frameshift variant.
Genome position (GRCh38, 1-based): chrX:154,904,812, A deleted on the plus strand (T on the coding strand, the reverse complement: F8 is on the minus strand). VCF-style (leftmost placement, unchanged base first): chrX-154904811-CA-C. GRCh37 (hg19) VCF-style: chrX-154133086-CA-C.
Other names: short protein forms L1862fs.
Identifiers: ClinVar variation 5016084 (VCV005016084.1).

ClinVar aggregate classification (germline): Pathogenic (1 of 4 stars; one submission).

Conditions:
Hereditary factor VIII deficiency disease (HEMA). Also called: AUTOSOMAL HEMOPHILIA A; Hemophilia A; Hemophilia A, congenital; HEM A; Factor 8 deficiency, congenital; HEMOPHILIA, CLASSIC. Identifiers: Orphanet 98878, MedGen C0019069, MONDO:0010602, OMIM 306700.

Submission:

Myriad Genetics, Inc.
Classification: Pathogenic for Hereditary factor VIII deficiency disease. Last evaluated: 2026-06-28. Review status: criteria provided, single submitter. Criteria: Myriad Autosomal Dominant, Autosomal Recessive and X-Linked Classification Criteria (2023). Collection method: clinical testing. Allele origin: unknown.
Comment: NM_000132.3(F8):c.5585delT(L1862Rfs*9) is expected to be pathogenic in the context of hemophilia A. This variant is predicted to lead to an abnormal or absent protein product due to the creation of a premature termination codon in F8, a gene where loss-of-function variants are known to be pathogenic. Please note: this variant was assessed in the context of healthy population screening.